The following is an entry in ClinVar:

NM_178335.3(CCDC50):c.1429+6_1429+7del

Gene: CCDC50 (coiled-coil domain containing 50; plus strand). Cytogenetic location: 3q28.
Variant type: Deletion.
Coding change: c.1429+6_1429+7del on transcript NM_178335.3 (MANE Select); bases 6 to 7 of the intron after coding-DNA position 1429, 2 bases deleted (AA; older notation c.1429+6_1429+7delAA).
Molecular consequence: intron variant.
Genome position (GRCh38, 1-based): chr3:191,389,608-191,389,609, AA deleted. VCF-style (leftmost placement, unchanged base first): chr3-191389607-GAA-G. GRCh37 (hg19) VCF-style: chr3-191107396-GAA-G.
Other names: c.901+6_901+7del (NM_174908.4).
Identifiers: ClinVar variation 4700228 (VCV004700228.1).

ClinVar aggregate classification (germline): Uncertain significance (1 of 4 stars; one submission).

Submission:

Labcorp Genetics (formerly Invitae), Labcorp
Classification: Uncertain significance. Last evaluated: 2025-02-16. Review status: criteria provided, single submitter. Criteria: Invitae Variant Classification Sherloc (09022015). Collection method: clinical testing. Allele origin: germline.
Comment: This sequence change falls in intron 11 of the CCDC50 gene. It does not directly change the encoded amino acid sequence of the CCDC50 protein. It affects a nucleotide within the consensus splice site. This variant is present in population databases (rs754614593, gnomAD 0.02%). This variant has not been reported in the literature in individuals affected with CCDC50-related conditions. Variants that disrupt the consensus splice site are a relatively common cause of aberrant splicing (PMID: 17576681, 9536098). Algorithms developed to predict the effect of sequence changes on RNA splicing suggest that this variant is not likely to affect RNA splicing. In summary, the available evidence is currently insufficient to determine the role of this variant in disease. Therefore, it has been classified as a Variant of Uncertain Significance.

Literature cited by the submitters: PubMed 17576681; PubMed 9536098.